The following is an entry in ClinVar:

NM_000784.4(CYP27A1):c.1412A>T (p.Tyr471Phe)

Gene: CYP27A1 (cytochrome P450 family 27 subfamily A member 1; plus strand). Cytogenetic location: 2q35.
Variant type: single nucleotide variant.
Coding change: c.1412A>T on transcript NM_000784.4 (MANE Select); coding-DNA position 1412, A replaced by T.
Protein change: p.Tyr471Phe; replaces tyrosine 471 with phenylalanine.
Molecular consequence: missense variant.
Genome position (GRCh38, 1-based): chr2:218,814,693, A>T. VCF-style: chr2-218814693-A-T. GRCh37 (hg19) VCF-style: chr2-219679416-A-T.
Other names: c.1412A>T (NM_000784.3); short protein forms Y471F.
Identifiers: ClinVar variation 2156313 (VCV002156313.2), dbSNP rs776275363, ClinGen allele CA350595051.

ClinVar aggregate classification (germline): Conflicting classifications of pathogenicity. Review status: criteria provided, conflicting classifications (1 of 4 stars). 2 submissions from 2 submitters: Uncertain significance (1); Likely benign (1). Last evaluated 2024-04-11.

Conditions:
Cardiovascular phenotype. Identifiers: MedGen CN230736.
Cholestanol storage disease (CTX). Also called: CEREBRAL CHOLESTERINOSIS; CTX: Cerebrotendinous xanthomatosis; Cerebrotendinous Xanthomatosis. Identifiers: Orphanet 909, MedGen C0238052, MONDO:0008948, OMIM 213700.

Allele frequency attached by ClinVar (database versions not stated): TOPMed below 0.00001; gnomAD 0.00001.
gnomAD v4.1: 7 of 1,614,016 alleles (0.00043%); highest among the groups gnomAD compares: Non-Finnish European, 0.00051%; no homozygotes.

Submissions (2):

Ambry Genetics
Classification: Likely benign for Cardiovascular phenotype. Last evaluated: 2024-04-11. Review status: criteria provided, single submitter. Criteria: Ambry Variant Classification Scheme 2023. Collection method: clinical testing. Allele origin: germline.

Labcorp Genetics (formerly Invitae), Labcorp
Classification: Uncertain significance for Cholestanol storage disease. Last evaluated: 2022-03-24. Review status: criteria provided, single submitter. Criteria: Invitae Variant Classification Sherloc (09022015). Collection method: clinical testing. Allele origin: germline.
Comment: This sequence change replaces tyrosine, which is neutral and polar, with phenylalanine, which is neutral and non-polar, at codon 471 of the CYP27A1 protein (p.Tyr471Phe). This variant is present in population databases (no rsID available, gnomAD 0.007%). This variant has not been reported in the literature in individuals affected with CYP27A1-related conditions. Advanced modeling of protein sequence and biophysical properties (such as structural, functional, and spatial information, amino acid conservation, physicochemical variation, residue mobility, and thermodynamic stability) performed at Invitae indicates that this missense variant is not expected to disrupt CYP27A1 protein function. In summary, the available evidence is currently insufficient to determine the role of this variant in disease. Therefore, it has been classified as a Variant of Uncertain Significance.